The following is an entry in ClinVar:

NM_020529.3(NFKBIA):c.*263G>T

Gene: NFKBIA (NFKB inhibitor alpha; minus strand). Cytogenetic location: 14q13.2.
Variant type: single nucleotide variant.
Coding change: c.*263G>T on transcript NM_020529.3 (MANE Select); 263 bases downstream of the stop codon, G replaced by T.
Molecular consequence: 3 prime UTR variant.
Genome position (GRCh38, 1-based): chr14:35,401,750, C>A on the plus strand (G>T on the coding strand, the complement: NFKBIA is on the minus strand). VCF-style: chr14-35401750-C-A. GRCh37 (hg19) VCF-style: chr14-35870956-C-A.
Identifiers: ClinVar variation 313102 (VCV000313102.5), dbSNP rs11569620, ClinGen allele CA10634809.

ClinVar aggregate classification (germline): Benign (1 of 4 stars; one submission).

Conditions:
Ectodermal dysplasia and immunodeficiency 2. Identifiers: Orphanet 238468, Orphanet 98813, MedGen C2677481, MONDO:0012806, OMIM 612132.

Allele frequency attached by ClinVar (database versions not stated): 1000 Genomes Project 0.00040; 1000 Genomes Project 30x 0.00062; gnomAD exomes 0.00115; TOPMed 0.00115; gnomAD 0.00117 and 0.00118.
gnomAD v4.1: 601 of 528,830 alleles (0.11%); highest among the groups gnomAD compares: Non-Finnish European, 0.18%; 1 homozygote.

Submission:

Illumina Laboratory Services, Illumina
Classification: Benign for Ectodermal dysplasia and immunodeficiency 2. Last evaluated: 2018-01-13. Review status: criteria provided, single submitter. Criteria: ICSL Variant Classification Criteria 13 December 2019. Collection method: clinical testing. Allele origin: germline.
Comment: This variant was observed in the ICSL laboratory as part of a predisposition screen in an ostensibly healthy population. It had not been previously curated by ICSL or reported in the Human Gene Mutation Database (HGMD: prior to June 1st, 2018), and was therefore a candidate for classification through an automated scoring system. Utilizing variant allele frequency, disease prevalence and penetrance estimates, and inheritance mode, an automated score was calculated to assess if this variant is too frequent to cause the disease. Based on the score and internal cut-off values, a variant classified as benign is not then subjected to further curation. The score for this variant resulted in a classification of benign for this disease.